The following is an entry in ClinVar:

ClinVar aggregate classification (germline): Uncertain significance (1 of 4 stars; one submission).

Conditions:
Fanconi anemia complementation group E (FANCE). Also called: FANCE-Related Fanconi Anemia. Identifiers: Orphanet 84, MedGen C3160739, MONDO:0010953, OMIM 600901.

Allele frequency attached by ClinVar (database versions not stated): gnomAD exomes below 0.00001.
gnomAD v4.1: 1 of 1,244,442 alleles (0.00008%); highest among the groups gnomAD compares: Admixed American, 0.0042%; no homozygotes.

Submission:

Labcorp Genetics (formerly Invitae), Labcorp
Classification: Uncertain significance for Fanconi anemia complementation group E. Last evaluated: 2021-03-25. Review status: criteria provided, single submitter. Criteria: Invitae Variant Classification Sherloc (09022015). Collection method: clinical testing. Allele origin: germline.
Comment: In summary, the available evidence is currently insufficient to determine the role of this variant in disease. Therefore, it has been classified as a Variant of Uncertain Significance. Algorithms developed to predict the effect of missense changes on protein structure and function are either unavailable or do not agree on the potential impact of this missense change (SIFT: "Tolerated"; PolyPhen-2: "Probably Damaging"; Align-GVGD: "Class C0"). This variant has not been reported in the literature in individuals with FANCE-related conditions. The frequency data for this variant in the population databases is considered unreliable, as metrics indicate insufficient coverage at this position in the ExAC database. This sequence change replaces proline with threonine at codon 57 of the FANCE protein (p.Pro57Thr). The proline residue is weakly conserved and there is a small physicochemical difference between proline and threonine.

NM_021922.3(FANCE):c.169C>A (p.Pro57Thr)

Genes: FANCE (FA complementation group E; plus strand), LOC129996245 (ATAC-STARR-seq lymphoblastoid silent region 17092; plus strand). Cytogenetic location: 6p21.31.
Variant type: single nucleotide variant.
Coding change: c.169C>A on transcript NM_021922.3 (MANE Select); coding-DNA position 169, C replaced by A.
Protein change: p.Pro57Thr; replaces proline 57 with threonine.
Molecular consequence: missense variant.
Genome position (GRCh38, 1-based): chr6:35,452,714, C>A. VCF-style: chr6-35452714-C-A. GRCh37 (hg19) VCF-style: chr6-35420491-C-A.
Other names: short protein forms P57T.
Identifiers: ClinVar variation 1490748 (VCV001490748.8), dbSNP rs1561787173, ClinGen allele CA363770542.